The following is an entry in ClinVar:

ClinVar aggregate classification (germline): Likely pathogenic (1 of 4 stars; one submission).

Conditions:
Compton-North congenital myopathy (CMYO12). Identifiers: Orphanet 210163, MedGen C2675527, MONDO:0012929, OMIM 612540.

Submission:

Labcorp Genetics (formerly Invitae), Labcorp
Classification: Likely pathogenic for Compton-North congenital myopathy. Last evaluated: 2020-10-30. Review status: criteria provided, single submitter. Criteria: Invitae Variant Classification Sherloc (09022015). Collection method: clinical testing. Allele origin: germline.
Comment: This variant results in the deletion of part of exon 21 (c.2597_2710+7delinsTT) of the CNTN1 gene. It is expected to disrupt RNA splicing. Variants that disrupt the donor or acceptor splice site typically lead to a loss of protein function (PMID: 16199547), and loss-of-function variants in CNTN1 are known to be pathogenic (PMID: 19026398, 22242131). This variant is not present in population databases (ExAC no frequency). This variant has not been reported in the literature in individuals with CNTN1-related conditions. In summary, the currently available evidence indicates that the variant is pathogenic, but additional data are needed to prove that conclusively. Therefore, this variant has been classified as Likely Pathogenic.

Literature cited by the submitters: PubMed 16199547; PubMed 19026398; PubMed 22242131.

NM_001843.4(CNTN1):c.2597_2710+7delinsTT

Gene: CNTN1 (contactin 1; plus strand). Cytogenetic location: 12q12.
Variant type: Indel.
Coding change: c.2597_2710+7delinsTT on transcript NM_001843.4 (MANE Select); coding-DNA position 2597 through 7 bases into the intron after coding-DNA position 2710, the reference bases replaced by TT.
Molecular consequence: splice donor variant.
Genome position (GRCh38, 1-based): chr12:41,025,223-41,025,343, 121 bases replaced. GRCh37 (hg19): chr12:41,419,025-41,419,145.
Other names: c.2564_2677+7delinsTT (NM_175038.2).
Identifiers: ClinVar variation 1348320 (VCV001348320.1), dbSNP rs2120818344, ClinGen allele CA2573148539.